The following is an entry in ClinVar:

NM_139076.3(ABRAXAS1):c.166G>T (p.Val56Phe)

Gene: ABRAXAS1 (abraxas 1, BRCA1 A complex subunit; minus strand). Cytogenetic location: 4q21.23.
Variant type: single nucleotide variant.
Coding change: c.166G>T on transcript NM_139076.3 (MANE Select); coding-DNA position 166, G replaced by T.
Protein change: p.Val56Phe; replaces valine 56 with phenylalanine.
Molecular consequence: missense variant. On other transcripts: 5 prime UTR variant (1).
Genome position (GRCh38, 1-based): chr4:83,482,166, C>A on the plus strand (G>T on the coding strand, the complement: ABRAXAS1 is on the minus strand). VCF-style: chr4-83482166-C-A. GRCh37 (hg19) VCF-style: chr4-84403319-C-A.
Other names: c.-95G>T (NM_001345962.2); short protein forms V56F.
Identifiers: ClinVar variation 3448712 (VCV003448712.1).

ClinVar aggregate classification (germline): Uncertain significance (1 of 4 stars; one submission).

Submission:

Ambry Genetics
Classification: Uncertain significance. Last evaluated: 2024-11-24. Review status: criteria provided, single submitter. Criteria: Ambry Variant Classification Scheme 2023. Collection method: clinical testing. Allele origin: germline.
Comment: The p.V56F variant (also known as c.166G>T), located in coding exon 2 of the FAM175A gene, results from a G to T substitution at nucleotide position 166. The valine at codon 56 is replaced by phenylalanine, an amino acid with highly similar properties. This amino acid position is conserved. In addition, this alteration is predicted to be tolerated by in silico analysis. Based on the available evidence, the clinical significance of this variant remains unclear.